The following is an entry in ClinVar:

ClinVar aggregate classification (germline): Uncertain significance. Review status: criteria provided, multiple submitters, no conflicts (2 of 4 stars). 2 submissions from 2 submitters: Uncertain significance (2). Last evaluated 2025-04-17.

Conditions:
Hereditary cancer-predisposing syndrome. Also called: Hereditary neoplastic syndrome; Hereditary Cancer Syndrome; Tumor predisposition; Neoplastic Syndromes, Hereditary. Identifiers: Orphanet 140162, MedGen C0027672, MeSH D009386, MONDO:0015356.

Allele frequency attached by ClinVar (database versions not stated): gnomAD exomes below 0.00001; ExAC 0.00001; TOPMed 0.00001.
gnomAD v4.1: 1 of 1,613,188 alleles (0.000062%); highest among the groups gnomAD compares: Admixed American, 0.0017%; no homozygotes.

Submissions (2):

Labcorp Genetics (formerly Invitae), Labcorp
Classification: Uncertain significance. Last evaluated: 2025-04-17. Review status: criteria provided, single submitter. Criteria: Invitae Variant Classification Sherloc (09022015). Collection method: clinical testing. Allele origin: germline.
Comment: This sequence change replaces glycine, which is neutral and non-polar, with cysteine, which is neutral and slightly polar, at codon 111 of the POLE protein (p.Gly111Cys). This variant is present in population databases (rs761055730, gnomAD 0.003%). This variant has not been reported in the literature in individuals affected with POLE-related conditions. ClinVar contains an entry for this variant (Variation ID: 1522434). An algorithm developed to predict the effect of missense changes on protein structure and function (PolyPhen-2) suggests that this variant is likely to be disruptive. Algorithms developed to predict the effect of sequence changes on RNA splicing suggest that this variant may disrupt the consensus splice site. In summary, the available evidence is currently insufficient to determine the role of this variant in disease. Therefore, it has been classified as a Variant of Uncertain Significance.

Ambry Genetics
Classification: Uncertain significance for Hereditary cancer-predisposing syndrome. Last evaluated: 2022-01-31. Review status: criteria provided, single submitter. Criteria: Ambry Variant Classification Scheme 2023. Collection method: clinical testing. Allele origin: germline.
Comment: The p.G111C variant (also known as c.331G>T) is located in coding exon 5 of the POLE gene. The glycine at codon 111 is replaced by cysteine, an amino acid with highly dissimilar properties. This change occurs in the first base pair of coding exon 5. This amino acid position is conserved. In addition, this alteration is predicted to be tolerated by in silico analysis. Since supporting evidence is limited at this time, the clinical significance of this alteration remains unclear.

NM_006231.4(POLE):c.331G>T (p.Gly111Cys)

Gene: POLE (DNA polymerase epsilon, catalytic subunit; minus strand). Cytogenetic location: 12q24.33.
Variant type: single nucleotide variant.
Coding change: c.331G>T on transcript NM_006231.4 (MANE Select); coding-DNA position 331, G replaced by T.
Protein change: p.Gly111Cys; replaces glycine 111 with cysteine.
Molecular consequence: missense variant.
Genome position (GRCh38, 1-based): chr12:132,680,046, C>A on the plus strand (G>T on the coding strand, the complement: POLE is on the minus strand). VCF-style: chr12-132680046-C-A. GRCh37 (hg19) VCF-style: chr12-133256632-C-A.
Other names: short protein forms G111C.
Identifiers: ClinVar variation 1522434 (VCV001522434.8), dbSNP rs761055730, ClinGen allele CA6894346.